The following is an entry in ClinVar:

NM_000388.4(CASR):c.382T>A (p.Phe128Ile)

Gene: CASR (calcium sensing receptor; plus strand). Cytogenetic location: 3q21.1.
Variant type: single nucleotide variant.
Coding change: c.382T>A on transcript NM_000388.4 (MANE Select); coding-DNA position 382, T replaced by A.
Protein change: p.Phe128Ile; replaces phenylalanine 128 with isoleucine.
Molecular consequence: missense variant.
Genome position (GRCh38, 1-based): chr3:122,257,277, T>A. VCF-style: chr3-122257277-T-A. GRCh37 (hg19) VCF-style: chr3-121976124-T-A.
Other names: c.382T>A, p.Phe128Ile (NM_001178065.2); short protein forms F128I.
Identifiers: ClinVar variation 1038282 (VCV001038282.9), dbSNP rs104893696, ClinGen allele CA354362780.

ClinVar aggregate classification (germline): Uncertain significance (1 of 4 stars; one submission).

Conditions:
Autosomal dominant hypocalcemia 1 (HYPOC1). Also called: HYPOCALCEMIA, FAMILIAL. Identifiers: MedGen C3715128, MONDO:0011013, OMIM 601198.
Familial hypocalciuric hypercalcemia (FHH). Also called: Familial benign hypercalcemia. Identifiers: Orphanet 405, MedGen C1809471, MONDO:0018458.

Submission:

Labcorp Genetics (formerly Invitae), Labcorp
Classification: Uncertain significance for Familial hypocalciuric hypercalcemia; Autosomal dominant hypocalcemia 1. Last evaluated: 2026-01-11. Review status: criteria provided, single submitter. Criteria: Invitae Variant Classification Sherloc (09022015). Collection method: clinical testing. Allele origin: germline.
Comment: This sequence change replaces phenylalanine, which is neutral and non-polar, with isoleucine, which is neutral and non-polar, at codon 128 of the CASR protein (p.Phe128Ile). This variant is not present in population databases (gnomAD no frequency). This missense change has been observed in individual(s) with clinical features of CASR-related conditions (internal data). ClinVar contains an entry for this variant (Variation ID: 1038282). An algorithm developed to predict the effect of missense changes on protein structure and function (PolyPhen-2) suggests that this variant is likely to be disruptive. This variant disrupts the p.Phe128 amino acid residue in CASR. Other variant(s) that disrupt this residue have been determined to be pathogenic (PMID: 8813042, 8878438, 17284438, 21645025). This suggests that this residue is clinically significant, and that variants that disrupt this residue are likely to be disease-causing. In summary, the available evidence is currently insufficient to determine the role of this variant in disease. Therefore, it has been classified as a Variant of Uncertain Significance.

Literature cited by the submitters: PubMed 8813042; PubMed 8878438; PubMed 17284438; PubMed 21645025.